The following is an entry in ClinVar:

ClinVar aggregate classification (germline): Uncertain significance (1 of 4 stars; one submission).

Allele frequency attached by ClinVar (database versions not stated): gnomAD exomes below 0.00001.
gnomAD v4.1: 4 of 1,613,430 alleles (0.00025%); highest among the groups gnomAD compares: Non-Finnish European, 0.00034%; no homozygotes.

Submission:

Labcorp Genetics (formerly Invitae), Labcorp
Classification: Uncertain significance. Last evaluated: 2023-02-21. Review status: criteria provided, single submitter. Criteria: Invitae Variant Classification Sherloc (09022015). Collection method: clinical testing. Allele origin: germline.
Comment: In summary, the available evidence is currently insufficient to determine the role of this variant in disease. Therefore, it has been classified as a Variant of Uncertain Significance. Advanced modeling of protein sequence and biophysical properties (such as structural, functional, and spatial information, amino acid conservation, physicochemical variation, residue mobility, and thermodynamic stability) performed at Invitae indicates that this missense variant is expected to disrupt GANAB protein function. This variant has not been reported in the literature in individuals affected with GANAB-related conditions. This variant is not present in population databases (gnomAD no frequency). This sequence change replaces arginine, which is basic and polar, with cysteine, which is neutral and slightly polar, at codon 300 of the GANAB protein (p.Arg300Cys).

NM_198334.3(GANAB):c.832C>T (p.Arg278Cys)

Gene: GANAB (glucosidase II alpha subunit; minus strand). Cytogenetic location: 11q12.3.
Variant type: single nucleotide variant.
Coding change: c.832C>T on transcript NM_198334.3 (MANE Select); coding-DNA position 832, C replaced by T.
Protein change: p.Arg278Cys; replaces arginine 278 with cysteine.
Molecular consequence: missense variant.
Genome position (GRCh38, 1-based): chr11:62,632,729, G>A on the plus strand (C>T on the coding strand, the complement: GANAB is on the minus strand). VCF-style: chr11-62632729-G-A. GRCh37 (hg19) VCF-style: chr11-62400201-G-A.
Other names: c.556C>T, p.Arg186Cys (NM_001278192.2); c.490C>T, p.Arg164Cys (NM_001278193.2); c.541C>T, p.Arg181Cys (NM_001278194.2, NM_001329222.2, NM_001329223.2); c.109C>T, p.Arg37Cys (NM_001329224.2, NM_001329225.2); c.898C>T, p.Arg300Cys (NM_198335.4); short protein forms R181C, R164C, R278C, R300C, R186C, R37C.
Identifiers: ClinVar variation 2868131 (VCV002868131.3), dbSNP rs2496354638, ClinGen allele CA380994905.